The following is an entry in ClinVar:

NM_138420.4(AHNAK2):c.10296G>T (p.Val3432=)

Gene: AHNAK2 (AHNAK nucleoprotein 2; minus strand). Cytogenetic location: 14q32.33.
Variant type: single nucleotide variant.
Coding change: c.10296G>T on transcript NM_138420.4 (MANE Select); coding-DNA position 10296, G replaced by T.
Protein change: p.Val3432=; no amino-acid change (valine 3432 retained).
Molecular consequence: synonymous variant.
Genome position (GRCh38, 1-based): chr14:104,945,155, C>A on the plus strand (G>T on the coding strand, the complement: AHNAK2 is on the minus strand). VCF-style: chr14-104945155-C-A. GRCh37 (hg19) VCF-style: chr14-105411492-C-A.
Other names: c.9996G>T, p.Val3332= (NM_001350929.2).
Identifiers: ClinVar variation 3024811 (VCV003024811.22), dbSNP rs181123888, ClinGen allele CA7379214.

ClinVar aggregate classification (germline): Likely benign (1 of 4 stars; one submission).

Allele frequency attached by ClinVar (database versions not stated): 1000 Genomes Project 30x 0.00156; 1000 Genomes Project 0.00180; TOPMed 0.00248; ESP Exome Variant Server 0.00346.

Submission:

CeGaT Center for Human Genetics Tuebingen
Classification: Likely benign. Last evaluated: 2024-02-01. Review status: criteria provided, single submitter. Criteria: CeGaT Center For Human Genetics Tuebingen Variant Classification Criteria Version 2. Collection method: clinical testing. Allele origin: germline. Affected: yes. Observed: 1 variant allele.
Comment: AHNAK2: BP4, BP7, BS2